The following is an entry in ClinVar:

ClinVar aggregate classification (germline): Likely pathogenic (1 of 4 stars; one submission).

Conditions:
Ullrich congenital muscular dystrophy 1A. Also called: Ullrich congenital muscular dystrophy 1; Intermediate COL6-RD. Identifiers: Orphanet 75840, MedGen C0410179, MONDO:0009681, OMIM 254090.
Bethlem myopathy 1A. Also called: MYOPATHY, BENIGN CONGENITAL, WITH CONTRACTURES; Bethlem myopathy 1; Bethlem Muscular Dystrophy. Identifiers: Orphanet 610, MedGen CN029274, MONDO:0024530, OMIM 158810.

Submission:

Diagnostics Services (NGS), CSIR - Centre For Cellular And Molecular Biology
Classification: Likely pathogenic for Bethlem myopathy 1A; Ullrich congenital muscular dystrophy 1A. Last evaluated: 2026-04-01. Review status: criteria provided, single submitter. Criteria: ACMG Guidelines, 2015. Collection method: clinical testing. Allele origin: germline. Observed: 1 variant allele, 1 heterozygote.
Comment: The c.759+1G>C variant is not present in publicly available population databases like 1000 Genomes, EVS, gnomAD, Indian Exome Database or our internal database. This variant has neither been reported in the literature in individuals affected with COL6A1-related conditions nor reported to the clinical databases like Human Genome Mutation Database (HGMD), ClinVar or OMIM, in any affected individuals. Algorithms developed to predict the effect of sequence changes on RNA splicing suggest that this variant can disrupt the consensus splice site. In-silico pathogenicity prediction programs like HSF3.1, MutationTaster2021, CADD, etc predicted this variant to be likely deleterious, however these predictions were not confirmed by published functional/translational studies.

NM_001848.3(COL6A1):c.759+1G>C

Gene: COL6A1 (collagen type VI alpha 1 chain; plus strand). Cytogenetic location: 21q22.3.
Variant type: single nucleotide variant.
Coding change: c.759+1G>C on transcript NM_001848.3 (MANE Select); the canonical splice donor site of the intron after coding-DNA position 759, G replaced by C.
Molecular consequence: splice donor variant.
Genome position (GRCh38, 1-based): chr21:45,987,520, G>C. VCF-style: chr21-45987520-G-C. GRCh37 (hg19) VCF-style: chr21-47407434-G-C.
Identifiers: ClinVar variation 4849717 (VCV004849717.1).
Genomic context (GRCh38, chr21:45,987,520, plus strand): 5'-GCTTTCCCACTGACTCGTCTCCATGCTTTCCCCCCACAGTGCTGCTCCTTCGAATGCCAG[G>C]TGAGTGTGCCCCCCGACCCCTGACCCCGCGCCCTGCACCCTGGGAACCTGAGTCTGGGGT-3'